The following is an entry in ClinVar:

NM_021067.5(GINS1):c.379T>G (p.Ser127Ala)

Gene: GINS1 (GINS complex subunit 1; plus strand). Cytogenetic location: 20p11.21.
Variant type: single nucleotide variant.
Coding change: c.379T>G on transcript NM_021067.5 (MANE Select); coding-DNA position 379, T replaced by G.
Protein change: p.Ser127Ala; replaces serine 127 with alanine.
Molecular consequence: missense variant. On other transcripts: non-coding transcript variant (1), intron variant (1).
Genome position (GRCh38, 1-based): chr20:25,425,259, T>G. VCF-style: chr20-25425259-T-G. GRCh37 (hg19) VCF-style: chr20-25405895-T-G.
Other names: c.124T>G, p.Ser42Ala (NM_001410831.1); c.330+7064T>G (NM_001410830.1); short protein forms S127A, S42A.
Identifiers: ClinVar variation 2780755 (VCV002780755.3), dbSNP rs770881919, ClinGen allele CA9796538.

ClinVar aggregate classification (germline): Uncertain significance (1 of 4 stars; one submission).

Allele frequency attached by ClinVar (database versions not stated): ExAC 0.00002.
gnomAD v4.1: 10 of 1,570,672 alleles (0.00064%); highest among the groups gnomAD compares: Non-Finnish European, 0.00079%; no homozygotes.

Submission:

Labcorp Genetics (formerly Invitae), Labcorp
Classification: Uncertain significance. Last evaluated: 2024-08-28. Review status: criteria provided, single submitter. Criteria: Invitae Variant Classification Sherloc (09022015). Collection method: clinical testing. Allele origin: germline.
Comment: This sequence change replaces serine, which is neutral and polar, with alanine, which is neutral and non-polar, at codon 127 of the GINS1 protein (p.Ser127Ala). This variant is present in population databases (rs770881919, gnomAD 0.004%). This variant has not been reported in the literature in individuals affected with GINS1-related conditions. An algorithm developed to predict the effect of missense changes on protein structure and function (PolyPhen-2) suggests that this variant is likely to be tolerated. In summary, the available evidence is currently insufficient to determine the role of this variant in disease. Therefore, it has been classified as a Variant of Uncertain Significance.